The following is an entry in ClinVar:

ClinVar aggregate classification (germline): Uncertain significance (1 of 4 stars; one submission).

Conditions:
Noonan syndrome 8 (NS8). Identifiers: Orphanet 648, MedGen C3809233, MONDO:0014143, OMIM 615355.

gnomAD v4.1: 2 of 1,614,206 alleles (0.00012%); highest among the groups gnomAD compares: South Asian, 0.0011%; no homozygotes.

Submission:

Labcorp Genetics (formerly Invitae), Labcorp
Classification: Uncertain significance for Noonan syndrome 8. Last evaluated: 2024-08-01. Review status: criteria provided, single submitter. Criteria: Invitae Variant Classification Sherloc (09022015). Collection method: clinical testing. Allele origin: germline.
Comment: This sequence change replaces methionine, which is neutral and non-polar, with valine, which is neutral and non-polar, at codon 37 of the RIT1 protein (p.Met37Val). This variant is not present in population databases (gnomAD no frequency). This variant has not been reported in the literature in individuals affected with RIT1-related conditions. An algorithm developed to predict the effect of missense changes on protein structure and function (PolyPhen-2) suggests that this variant is likely to be tolerated. In summary, the available evidence is currently insufficient to determine the role of this variant in disease. Therefore, it has been classified as a Variant of Uncertain Significance.

NM_006912.6(RIT1):c.109A>G (p.Met37Val)

Gene: RIT1 (Ras like without CAAX 1; minus strand). Cytogenetic location: 1q22.
Variant type: single nucleotide variant.
Coding change: c.109A>G on transcript NM_006912.6 (MANE Select); coding-DNA position 109, A replaced by G.
Protein change: p.Met37Val; replaces methionine 37 with valine.
Molecular consequence: missense variant. On other transcripts: initiator codon variant (1).
Genome position (GRCh38, 1-based): chr1:155,910,504, T>C on the plus strand (A>G on the coding strand, the complement: RIT1 is on the minus strand). VCF-style: chr1-155910504-T-C. GRCh37 (hg19) VCF-style: chr1-155880295-T-C.
Other names: c.1A>G, p.Met1Val (NM_001256820.2); c.160A>G, p.Met54Val (NM_001256821.2); short protein forms M37V, M1V, M54V.
Identifiers: ClinVar variation 3670161 (VCV003670161.2).